The following is an entry in ClinVar:

NM_000329.3(RPE65):c.141_142insAAATGCCT (p.Gly48fs)

Gene: RPE65 (retinoid isomerohydrolase RPE65; minus strand). Cytogenetic location: 1p31.3.
Variant type: Insertion.
Coding change: c.141_142insAAATGCCT on transcript NM_000329.3 (MANE Select); coding-DNA positions 141 to 142, AAATGCCT inserted.
Protein change: p.Gly48fs; shifts the reading frame from glycine 48.
Molecular consequence: frameshift variant. On other transcripts: 5 prime UTR variant (1), intron variant (1).
Genome position: GRCh38 VCF-style: chr1-68446813-C-CAGGCATTT. GRCh37 (hg19) VCF-style: chr1-68912496-C-CAGGCATTT.
Other names: c.141_142insAAATGCCT, p.Gly48fs (NM_001406853.1, NM_001406859.1, NM_001406860.1); c.-136_-135insAAATGCCT (NM_001406857.1); c.-32+1810_-32+1811insAAATGCCT (NM_001406856.1); short protein forms G48fs.
Identifiers: ClinVar variation 5010766 (VCV005010766.1).
Genomic context (GRCh38, chr1:68,446,813, plus strand): 5'-GCAGGAGGGCTTGCCCATCAAACAGGTGGTAAAATGGCTCAGATCCAACTTCAAAGAGTC[C>CAGGCATTT]TGGCCCACATCGAAGGAGACTGCCGGTGAGCCAGAGGGGGATCCTGCCTGTGATGAAGGG-3'

ClinVar aggregate classification (germline): Pathogenic (1 of 4 stars; one submission).

Conditions:
RPE65-related recessive retinopathy. Also called: Recessive RPE65 retinopathy. Identifiers: MedGen CN305526, MONDO:0100368.

Submission:

Myriad Genetics, Inc.
Classification: Pathogenic for RPE65-related recessive retinopathy. Last evaluated: 2024-05-14. Review status: criteria provided, single submitter. Criteria: Myriad Autosomal Dominant, Autosomal Recessive and X-Linked Classification Criteria (2023). Collection method: clinical testing. Allele origin: unknown.
Comment: NM_000329.2(RPE65):c.141_142ins8(G48Kfs*49) is expected to be pathogenic in the context of inherited retinal dystrophy, RPE65-related. This variant is predicted to lead to an abnormal or absent protein product due to the creation of a premature termination codon in RPE65, a gene where loss-of-function variants are known to be pathogenic. Please note: this variant was assessed in the context of healthy population screening.